The following is an entry in ClinVar:

ClinVar aggregate classification (germline): Likely pathogenic (1 of 4 stars; one submission).

Conditions:
Congenital hyperammonemia, type I. Also called: CPS I DEFICIENCY; Carbamoyl phosphate synthetase 1 deficiency; Hyperammonemia due to carbamoyl phosphate synthetase 1 deficiency; CPS 1 deficiency; Carbamyl phosphate synthetase (CPS) deficiency; Carbamoyl phosphate synthetase I deficiency disease. Identifiers: Orphanet 147, MedGen C4082171, MONDO:0009376, OMIM 237300.

Submission:

Natera, Inc.
Classification: Likely pathogenic for Carbamoyl-phosphate synthase I deficiency. Last evaluated: 2025-02-17. Review status: criteria provided, single submitter. Criteria: Natera Variant Classification Schema (03/2026). Collection method: clinical testing. Allele origin: germline.
Comment: The c.2098C>T variant in CPS1 is a nonsense variant predicted to introduce a stop codon at amino acid 700. This variant is expected to result in nonsense mediated decay, truncation, or a dysfunctional protein product. This variant is rare in the general population with a frequency below the threshold expected for the associated phenotype(s). Given the available evidence, this variant is classified as Likely Pathogenic.

NM_001875.5(CPS1):c.2098C>T (p.Gln700Ter)

Gene: CPS1 (carbamoyl-phosphate synthase 1; plus strand). Cytogenetic location: 2q34.
Variant type: single nucleotide variant.
Coding change: c.2098C>T on transcript NM_001875.5 (MANE Select); coding-DNA position 2098, C replaced by T.
Protein change: p.Gln700Ter; replaces glutamine 700 with a stop codon.
Molecular consequence: nonsense. On other transcripts: non-coding transcript variant (2).
Genome position (GRCh38, 1-based): chr2:210,606,847, C>T. VCF-style: chr2-210606847-C-T. GRCh37 (hg19) VCF-style: chr2-211471571-C-T.
Other names: c.2098C>T, p.Gln700Ter (NM_001122633.3, NM_001369257.1); c.2131C>T, p.Gln711Ter (NM_001369256.1); short protein forms Q700*, Q711*.
Identifiers: ClinVar variation 4065350 (VCV004065350.2).